The following is an entry in ClinVar:

ClinVar aggregate classification (germline): Conflicting classifications of pathogenicity. Review status: criteria provided, conflicting classifications (1 of 4 stars). 4 submissions from 4 submitters: Uncertain significance (1); Likely benign (3). Last evaluated 2025-09-27.

Conditions:
Inborn genetic diseases. Identifiers: MedGen C0950123, MeSH D030342.

Allele frequency attached by ClinVar (database versions not stated): gnomAD 0.00003 and 0.00004; TOPMed 0.00004.
gnomAD v4.1: 64 of 1,613,156 alleles (0.004%); highest among the groups gnomAD compares: Non-Finnish European, 0.005%; no homozygotes.

Submissions (4):

Ambry Genetics
Classification: Likely benign for Inborn genetic diseases. Last evaluated: 2025-09-27. Review status: criteria provided, single submitter. Criteria: Ambry Variant Classification Scheme 2023. Collection method: clinical testing. Allele origin: germline.

Labcorp Genetics (formerly Invitae), Labcorp
Classification: Likely benign. Last evaluated: 2024-10-24. Review status: criteria provided, single submitter. Criteria: Invitae Variant Classification Sherloc (09022015). Collection method: clinical testing. Allele origin: germline.

Mayo Clinic Laboratories, Mayo Clinic
Classification: Uncertain significance. Last evaluated: 2023-06-30. Review status: criteria provided, single submitter. Criteria: ACMG Guidelines, 2015. Collection method: clinical testing. Allele origin: germline. Observed: 1 variant allele.
Comment: BS2

CeGaT Center for Human Genetics Tuebingen
Classification: Likely benign. Last evaluated: 2022-12-01. Review status: criteria provided, single submitter. Criteria: CeGaT Center For Human Genetics Tuebingen Variant Classification Criteria Version 2. Collection method: clinical testing. Allele origin: germline. Affected: yes. Observed: 3 variant alleles.
Comment: PACS2: BS2

NM_001100913.3(PACS2):c.859G>C (p.Asp287His)

Gene: PACS2 (phosphofurin acidic cluster sorting protein 2; plus strand). Cytogenetic location: 14q32.33.
Variant type: single nucleotide variant.
Coding change: c.859G>C on transcript NM_001100913.3 (MANE Select); coding-DNA position 859, G replaced by C.
Protein change: p.Asp287His; replaces aspartic acid 287 with histidine.
Molecular consequence: missense variant.
Genome position (GRCh38, 1-based): chr14:105,376,825, G>C. VCF-style: chr14-105376825-G-C. GRCh37 (hg19) VCF-style: chr14-105843162-G-C.
Other names: p.Asp287His; c.634G>C, p.Asp212His (NM_001243127.3); c.859G>C, p.Asp287His (NM_015197.4); c.859G>C (NM_001100913.2); short protein forms D212H, D287H.
Identifiers: ClinVar variation 872108 (VCV000872108.49), dbSNP rs781826931, ClinGen allele CA7388613.
Genomic context (GRCh38, chr14:105,376,825, plus strand): 5'-CAGGTCCTGGACTCGGAGCAGGACCCTGCGGAGCACATCCCCGAGGCAGAGGAGGACCTG[G>C]ACCTCCTGTATGACACCCTGGACATGGAGCACCCCAGCGACAGCGGCCCCGACATGGAGG-3'
Protein context (NP_001094383.2, residues 277-297): EHIPEAEEDL[Asp287His]LLYDTLDMEH